The following is an entry in ClinVar:

ClinVar aggregate classification (germline): Uncertain significance (1 of 4 stars; one submission).

Conditions:
NIPBL-related disorder. Also called: NIPBL-related condition.

gnomAD v4.1: 1 of 1,613,948 alleles (0.000062%); highest among the groups gnomAD compares: South Asian, 0.0011%; no homozygotes.

Submission:

PreventionGenetics, part of Exact Sciences
Classification: Uncertain significance for NIPBL-related condition. Last evaluated: 2025-09-26. Review status: criteria provided, single submitter. Criteria: ACMG Guidelines, 2015. Collection method: clinical testing. Allele origin: germline.
Comment: The NIPBL c.308G>C variant is predicted to result in the amino acid substitution p.Ser103Thr. To our knowledge, this variant has not been reported in the literature. This variant is reported in 0.0033% of alleles in individuals of South Asian descent in gnomAD. At this time, the clinical significance of this variant is uncertain due to the absence of conclusive functional and genetic evidence.

NM_133433.4(NIPBL):c.308G>C (p.Ser103Thr)

Gene: NIPBL (NIPBL cohesin loading factor; plus strand). Cytogenetic location: 5p13.2.
Variant type: single nucleotide variant.
Coding change: c.308G>C on transcript NM_133433.4 (MANE Select); coding-DNA position 308, G replaced by C.
Protein change: p.Ser103Thr; replaces serine 103 with threonine.
Molecular consequence: missense variant.
Genome position (GRCh38, 1-based): chr5:36,958,181, G>C. VCF-style: chr5-36958181-G-C. GRCh37 (hg19) VCF-style: chr5-36958283-G-C.
Other names: c.308G>C, p.Ser103Thr (NM_015384.5); short protein forms S103T.
Identifiers: ClinVar variation 3350069 (VCV003350069.2).